The following is an entry in ClinVar:

NM_000059.4(BRCA2):c.2162C>A (p.Pro721Gln)

Gene: BRCA2 (BRCA2 DNA repair associated; plus strand). Cytogenetic location: 13q13.1.
Variant type: single nucleotide variant.
Coding change: c.2162C>A on transcript NM_000059.4 (MANE Select); coding-DNA position 2162, C replaced by A.
Protein change: p.Pro721Gln; replaces proline 721 with glutamine.
Molecular consequence: missense variant. On other transcripts: non-coding transcript variant (1), intron variant (2).
Genome position (GRCh38, 1-based): chr13:32,336,517, C>A. VCF-style: chr13-32336517-C-A. GRCh37 (hg19) VCF-style: chr13-32910654-C-A.
Other names: c.2162C>A, p.Pro721Gln (NM_001406719.1, NM_001406720.1, NM_001432077.1); c.1909+3130C>A (NM_001406721.1); c.424+5487C>A (NM_001406722.1); short protein forms P721Q.
Identifiers: ClinVar variation 4856457 (VCV004856457.1).
Genomic context (GRCh38, chr13:32,336,517, plus strand): 5'-TTATTACCCCAGAAGCTGATTCTCTGTCATGCCTGCAGGAAGGACAGTGTGAAAATGATC[C>A]AAAAAGCAAAAAAGTTTCAGATATAAAAGAAGAGGTCTTGGCTGCAGCATGTCACCCAGT-3'
Protein context (NP_000050.3, residues 711-731): CLQEGQCEND[Pro721Gln]KSKKVSDIKE

ClinVar aggregate classification (germline): Likely benign (1 of 4 stars; one submission).

Conditions:
Breast-ovarian cancer, familial, susceptibility to, 2 (BROVCA2). Also called: BRCA2 Hereditary Breast and Ovarian Cancer. Identifiers: Orphanet 145, MedGen C2675520, MONDO:0012933, OMIM 612555. Disease mechanism: loss of function.

gnomAD v4.1: 1 of 1,613,854 alleles (0.000062%); highest among the groups gnomAD compares: South Asian, 0.0011%; no homozygotes.

Submission:

Cancer Bioinformatics and Tumour Evolution Laboratory, Monash University
Classification: Likely benign for Breast-ovarian cancer, familial, susceptibility to, 2. Last evaluated: 2026-05-01. Review status: criteria provided, single submitter. Criteria: ClinGen BRCA1 and BRCA2 Guidelines, 2024. Collection method: curation. Allele origin: germline. Inheritance: Autosomal dominant inheritance.
Comment: Missense variant outside of a functional domain with no splice impact. BRCA1 and BRCA2 VCEP guidelines recommend application of BP1_Strong (PMID: 39142283)